The following is an entry in ClinVar:

NM_000540.3(RYR1):c.4996C>T (p.Leu1666=)

Gene: RYR1 (ryanodine receptor 1; plus strand). Cytogenetic location: 19q13.2.
Variant type: single nucleotide variant.
Coding change: c.4996C>T on transcript NM_000540.3 (MANE Select); coding-DNA position 4996, C replaced by T.
Protein change: p.Leu1666=; no amino-acid change (leucine 1666 retained).
Molecular consequence: synonymous variant.
Genome position (GRCh38, 1-based): chr19:38,485,651, C>T. VCF-style: chr19-38485651-C-T. GRCh37 (hg19) VCF-style: chr19-38976291-C-T.
Other names: c.4996C>T, p.Leu1666= (NM_001042723.2).
Identifiers: ClinVar variation 3074564 (VCV003074564.1), dbSNP rs1289031714, ClinGen allele CA507238458.

ClinVar aggregate classification (germline): Likely benign (1 of 4 stars; one submission).

Conditions:
Malignant hyperthermia, susceptibility to, 1 (MHS1). Also called: Anesthesia related hyperthermia; Malignant hyperpyrexia; Fulminating hyperpyrexia; Pharmacogenic myopathy; RYR1-Related Malignant Hyperthermia Susceptibility; Malignant hyperthermia suceptibility 1. Identifiers: Orphanet 423, MedGen C2930980, MONDO:0007783, OMIM 145600.

gnomAD v4.1: 1 of 1,610,802 alleles (0.000062%); highest among the groups gnomAD compares: South Asian, 0.0011%; no homozygotes.

Submission:

All of Us Research Program, National Institutes of Health
Classification: Likely benign for Malignant hyperthermia, susceptibility to, 1. Last evaluated: 2023-11-20. Review status: criteria provided, single submitter. Criteria: ACMG Guidelines, 2015. Collection method: clinical testing. Allele origin: germline. Inheritance: Autosomal dominant inheritance. Observed: 1 variant allele, 1 heterozygote.
Comment: This study involves interpretation of variants in research participants for the purpose of population health screening. Participant phenotype was not available at the time of variant classification. Additional details can be found in publication PMID: 35346344, PMCID: PMC8962531